The following is an entry in ClinVar:

ClinVar aggregate classification (germline): Uncertain significance. Review status: criteria provided, single submitter (1 of 4 stars). 2 submissions from 2 submitters: Uncertain significance (1). 1 of the submissions does not count toward it. Last evaluated 2025-10-14.

Conditions:
LYST-related disorder. Also called: LYST-related condition.
Chédiak-Higashi syndrome (CHS). Also called: Chediak-Higashi Syndrome. Identifiers: Orphanet 167, MedGen C0007965, MONDO:0008963, OMIM 214500.

gnomAD v4.1: 2 of 1,613,860 alleles (0.00012%); highest among the groups gnomAD compares: Non-Finnish European, 0.00017%; no homozygotes.

Submissions (2):

Labcorp Genetics (formerly Invitae), Labcorp
Classification: Uncertain significance for Chédiak-Higashi syndrome. Last evaluated: 2025-10-14. Review status: criteria provided, single submitter. Criteria: Invitae Variant Classification Sherloc (09022015). Collection method: clinical testing. Allele origin: germline.
Comment: This sequence change replaces isoleucine, which is neutral and non-polar, with methionine, which is neutral and non-polar, at codon 1048 of the LYST protein (p.Ile1048Met). This variant is present in population databases (no rsID available, gnomAD 0.0009%). This variant has not been reported in the literature in individuals affected with LYST-related conditions. ClinVar contains an entry for this variant (Variation ID: 3045906). An algorithm developed to predict the effect of missense changes on protein structure and function (PolyPhen-2) suggests that this variant is likely to be tolerated. In summary, the available evidence is currently insufficient to determine the role of this variant in disease. Therefore, it has been classified as a Variant of Uncertain Significance.

PreventionGenetics, part of Exact Sciences
Classification: Uncertain significance for LYST-related condition. Last evaluated: 2023-11-27. Review status: no assertion criteria provided. Collection method: clinical testing. Allele origin: germline. Not counted in ClinVar's aggregate classification.
Comment: The LYST c.3144A>G variant is predicted to result in the amino acid substitution p.Ile1048Met. To our knowledge, this variant has not been reported in the literature. This variant is reported in 0.00088% of alleles in individuals of European (Non-Finnish) descent in gnomAD. At this time, the clinical significance of this variant is uncertain due to the absence of conclusive functional and genetic evidence.

NM_000081.4(LYST):c.3144A>G (p.Ile1048Met)

Gene: LYST (lysosomal trafficking regulator; minus strand). Cytogenetic location: 1q42.3.
Variant type: single nucleotide variant.
Coding change: c.3144A>G on transcript NM_000081.4 (MANE Select); coding-DNA position 3144, A replaced by G.
Protein change: p.Ile1048Met; replaces isoleucine 1048 with methionine.
Molecular consequence: missense variant.
Genome position (GRCh38, 1-based): chr1:235,805,992, T>C on the plus strand (A>G on the coding strand, the complement: LYST is on the minus strand). VCF-style: chr1-235805992-T-C. GRCh37 (hg19) VCF-style: chr1-235969292-T-C.
Other names: c.3144A>G, p.Ile1048Met (NM_001301365.1); short protein forms I1048M.
Identifiers: ClinVar variation 3045906 (VCV003045906.3), dbSNP rs1253733174, ClinGen allele CA344953241.